The following is an entry in ClinVar:

ClinVar aggregate classification (germline): Likely pathogenic (1 of 4 stars; one submission).

Conditions:
Autosomal recessive limb-girdle muscular dystrophy type 2J (LGMDR10). Also called: Limb-girdle muscular dystrophy, type 2J; MUSCULAR DYSTROPHY, LIMB-GIRDLE, AUTOSOMAL RECESSIVE 10. Identifiers: Orphanet 140922, MedGen C1837342, MONDO:0012127, OMIM 608807.
Dilated cardiomyopathy 1G (CMD1G). Identifiers: Orphanet 154, MedGen C1858763, MONDO:0011400, OMIM 604145.

Submission:

Labcorp Genetics (formerly Invitae), Labcorp
Classification: Likely pathogenic for Dilated cardiomyopathy 1G; Autosomal recessive limb-girdle muscular dystrophy type 2J. Last evaluated: 2023-02-08. Review status: criteria provided, single submitter. Criteria: Invitae Variant Classification Sherloc (09022015). Collection method: clinical testing. Allele origin: germline.
Comment: This sequence change creates a premature translational stop signal (p.Trp19820Glyfs*16) in the TTN gene. While this is not anticipated to result in nonsense mediated decay, it is expected to create a truncated TTN protein. This variant is not present in population databases (gnomAD no frequency). This variant has not been reported in the literature in individuals affected with TTN-related conditions. This variant is located in the A band of TTN (PMID: 25589632). Truncating variants in this region are significantly overrepresented in patients affected with dilated cardiomyopathy (PMID: 25589632). Truncating variants in this region have also been reported in individuals affected with autosomal recessive centronuclear myopathy (PMID: 23975875). In summary, the currently available evidence indicates that the variant is pathogenic, but additional data are needed to prove that conclusively. Therefore, this variant has been classified as Likely Pathogenic.

Literature cited by the submitters: PubMed 25589632; PubMed 23975875.

NM_001267550.2(TTN):c.59458del (p.Trp19820fs)

Genes: TTN-AS1 (TTN antisense RNA 1; plus strand), TTN (titin; minus strand), LOC126806424 (CDK7 strongly-dependent group 2 enhancer GRCh37_chr2:179456337-179457536; plus strand). Cytogenetic location: 2q31.2.
Variant type: Deletion.
Coding change: c.59458del on transcript NM_001267550.2 (MANE Select); coding-DNA position 59458, one base deleted (T; older notation c.59458delT).
Protein change: p.Trp19820fs; shifts the reading frame from tryptophan 19820.
Molecular consequence: frameshift variant.
Genome position (GRCh38, 1-based): chr2:178,592,547, A deleted on the plus strand (T on the coding strand, the reverse complement: TTN is on the minus strand); the first of 2 consecutive A bases (chr2:178,592,547-178,592,548); deleting either gives the same sequence. VCF-style (leftmost placement, unchanged base first): chr2-178592546-CA-C. GRCh37 (hg19) VCF-style: chr2-179457273-CA-C.
Other names: c.54535del, p.Trp18179fs (NM_001256850.1); c.32263del, p.Trp10755fs (NM_003319.4); c.51754del, p.Trp17252fs (NM_133378.4); c.32638del, p.Trp10880fs (NM_133432.3); c.32839del, p.Trp10947fs (NM_133437.4); short protein forms W10947fs, W10880fs, W19820fs, W18179fs, W10755fs, W17252fs.
Identifiers: ClinVar variation 1958967 (VCV001958967.5), dbSNP rs2469535808, ClinGen allele CA2580064883.
Genomic context (GRCh38, chr2:178,592,546, plus strand): 5'-CTACCAACTGGAGTCACATCAATTCTTGCTTTAGTTGGAGCATCTCTGTCTTCTTTTTTC[CA>C]AGTTACTTTTGGGAATGGCACTCCTTTGATGATGGCACTAAGTCTTAGAGTATCACCAAC-3'